The following is an entry in ClinVar:

ClinVar aggregate classification (germline): Uncertain significance (1 of 4 stars; one submission).

Conditions:
Oto-palato-digital syndrome, type II (OPD2). Also called: FACIOPALATOOSSEOUS SYNDROME; OPD II SYNDROME; Otopalatodigital Syndrome, Type II; Otopalatodigital Syndrome Type 2 (FLNA-OPD2). Identifiers: Orphanet 669, Orphanet 90652, MedGen C1844696, MONDO:0010571, OMIM 304120.
Heterotopia, periventricular, X-linked dominant (PVNH1). Also called: PERIVENTRICULAR NODULAR HETEROTOPIA 4; HETEROTOPIA, PERIVENTRICULAR, 1; PERIVENTRICULAR NODULAR HETEROTOPIA 1; X-linked periventricular heterotopia. Identifiers: Orphanet 2149, Orphanet 82004, MedGen C1848213, MONDO:0010233, OMIM 300049.
Melnick-Needles syndrome (MNS). Also called: MELNICK-NEEDLES OSTEODYSPLASTY; OSTEODYSPLASTY OF MELNICK AND NEEDLES; Melnick-Needles Syndrome (FLNA-MNS). Identifiers: Orphanet 2484, MedGen C0025237, MONDO:0010650, OMIM 309350.
Frontometaphyseal dysplasia (FMD1). Identifiers: Orphanet 1826, MedGen C0265293, MONDO:0015942.

Submission:

Labcorp Genetics (formerly Invitae), Labcorp
Classification: Uncertain significance for Oto-palato-digital syndrome, type II; Heterotopia, periventricular, X-linked dominant; Frontometaphyseal dysplasia; Melnick-Needles syndrome. Last evaluated: 2026-01-19. Review status: criteria provided, single submitter. Criteria: Invitae Variant Classification Sherloc (09022015). Collection method: clinical testing. Allele origin: germline.
Comment: This sequence change replaces isoleucine, which is neutral and non-polar, with valine, which is neutral and non-polar, at codon 1521 of the FLNA protein (p.Ile1521Val). This variant is not present in population databases (gnomAD no frequency). This variant has not been reported in the literature in individuals affected with FLNA-related conditions. ClinVar contains an entry for this variant (Variation ID: 1466154). Invitae Evidence Modeling of protein sequence and biophysical properties (such as structural, functional, and spatial information, amino acid conservation, physicochemical variation, residue mobility, and thermodynamic stability) indicates that this missense variant is not expected to disrupt FLNA protein function with a negative predictive value of 95%. In summary, the available evidence is currently insufficient to determine the role of this variant in disease. Therefore, it has been classified as a Variant of Uncertain Significance.

NM_001110556.2(FLNA):c.4561A>G (p.Ile1521Val)

Gene: FLNA (filamin A; minus strand). Cytogenetic location: Xq28.
Variant type: single nucleotide variant.
Coding change: c.4561A>G on transcript NM_001110556.2 (MANE Select); coding-DNA position 4561, A replaced by G.
Protein change: p.Ile1521Val; replaces isoleucine 1521 with valine.
Molecular consequence: missense variant.
Genome position (GRCh38, 1-based): chrX:154,358,482, T>C on the plus strand (A>G on the coding strand, the complement: FLNA is on the minus strand). VCF-style: chrX-154358482-T-C. GRCh37 (hg19) VCF-style: chrX-153586850-T-C.
Other names: c.4561A>G, p.Ile1521Val (NM_001456.4); short protein forms I1521V.
Identifiers: ClinVar variation 1466154 (VCV001466154.6), dbSNP rs2148110566, ClinGen allele CA415215410.